The following is an entry in ClinVar:

NM_006767.4(LZTR1):c.2025del (p.His676fs)

Gene: LZTR1 (leucine zipper like post translational regulator 1; plus strand). Cytogenetic location: 22q11.21.
Variant type: Deletion.
Coding change: c.2025del on transcript NM_006767.4 (MANE Select); coding-DNA position 2025, one base deleted (G; older notation c.2025delG).
Protein change: p.His676fs; shifts the reading frame from histidine 676.
Molecular consequence: frameshift variant.
Genome position (GRCh38, 1-based): chr22:20,995,828, G deleted; the last of 3 consecutive G bases (chr22:20,995,826-20,995,828); deleting any one gives the same sequence. VCF-style (leftmost placement, unchanged base first): chr22-20995825-CG-C. GRCh37 (hg19) VCF-style: chr22-21350114-CG-C.
Other names: short protein forms H676fs.
Identifiers: ClinVar variation 3238189 (VCV003238189.1), dbSNP rs2518623978.

ClinVar aggregate classification (germline): Pathogenic (1 of 4 stars; one submission).

Conditions:
Hereditary cancer-predisposing syndrome. Also called: Neoplastic Syndromes, Hereditary; Tumor predisposition; Hereditary neoplastic syndrome; Hereditary Cancer Syndrome. Identifiers: Orphanet 140162, MedGen C0027672, MeSH D009386, MONDO:0015356.
Cardiovascular phenotype. Identifiers: MedGen CN230736.

Submission:

Ambry Genetics
Classification: Pathogenic for Cardiovascular phenotype; Hereditary cancer-predisposing syndrome. Last evaluated: 2023-12-13. Review status: criteria provided, single submitter. Criteria: Ambry Variant Classification Scheme 2023. Collection method: clinical testing. Allele origin: germline.
Comment: The c.2025delG pathogenic mutation, located in coding exon 17 of the LZTR1 gene, results from a deletion of one nucleotide at nucleotide position 2025, causing a translational frameshift with a predicted alternate stop codon (p.H676Tfs*31). This alteration is expected to result in loss of function by premature protein truncation or nonsense-mediated mRNA decay. Loss-of-function variants in LZTR1 are related to an increased risk for schwannomas and autosomal recessive Noonan syndrome; however, such associations with autosomal dominant Noonan syndrome have not been observed (Piotrowski A et al. Nat Genet. 2014 Feb;46:182-7; Yamamoto GL et al. J Med Genet. 2015 Jun;52:413-21; Johnston JJ et al. Genet Med. 2018 10;20:1175-1185). Based on the supporting evidence, this variant is pathogenic for an increased risk of LZTR1-related schwannomatosis (SWN) and would be expected to cause autosomal recessive Noonan syndrome when present along with a second pathogenic or likely pathogenic variant on the other allele; however, the association of this alteration with autosomal dominant Noonan syndrome is unlikely.